The following is an entry in ClinVar:

ClinVar aggregate classification (germline): Uncertain significance (1 of 4 stars; one submission).

Submission:

Women's Health and Genetics/Laboratory Corporation of America, LabCorp
Classification: Uncertain significance. Last evaluated: 2024-09-26. Review status: criteria provided, single submitter. Criteria: LabCorp Variant Classification Summary - May 2015. Collection method: clinical testing. Allele origin: germline.
Comment: Variant summary: TCF20 c.2263G>A (p.Glu755Lys) results in a conservative amino acid change in the encoded protein sequence. Three of five in-silico tools predict a benign effect of the variant on protein function. The variant was absent in 251436 control chromosomes. The available data on variant occurrences in the general population are insufficient to allow any conclusion about variant significance. To our knowledge, no occurrence of c.2263G>A in individuals affected with Developmental Delay With Variable Intellectual Impairment And Behavioral Abnormalities and no experimental evidence demonstrating its impact on protein function have been reported. No submitters have cited clinical-significance assessments for this variant to ClinVar. Based on the evidence outlined above, the variant was classified as uncertain significance.

NM_001378418.1(TCF20):c.2263G>A (p.Glu755Lys)

Gene: TCF20 (transcription factor 20; minus strand). Cytogenetic location: 22q13.2.
Variant type: single nucleotide variant.
Coding change: c.2263G>A on transcript NM_001378418.1 (MANE Select); coding-DNA position 2263, G replaced by A.
Protein change: p.Glu755Lys; replaces glutamic acid 755 with lysine.
Molecular consequence: missense variant.
Genome position (GRCh38, 1-based): chr22:42,213,043, C>T on the plus strand (G>A on the coding strand, the complement: TCF20 is on the minus strand). VCF-style: chr22-42213043-C-T. GRCh37 (hg19) VCF-style: chr22-42609049-C-T.
Other names: c.2263G>A, p.Glu755Lys (NM_005650.4, NM_181492.3); short protein forms E755K.
Identifiers: ClinVar variation 3375168 (VCV003375168.1).
Genomic context (GRCh38, chr22:42,213,043, plus strand): 5'-GCTCTTGAGTACTCCTAGAATATCTCCTGTCAGGGTGGTGGTGGTAACCCTGAAGCACTT[C>T]CTGCAGGAGGCTTGGGAATTTTTCATTTCTACCCTTTCGTTCCCCATGGCCAGTGAAATC-3'
Protein context (NP_001365347.1, residues 745-765): RNEKFPSLLQ[Glu755Lys]VLQGYHHHPD